The following is an entry in ClinVar:

NM_005857.5(ZMPSTE24):c.579T>C (p.Gly193=)

Gene: ZMPSTE24 (zinc metallopeptidase STE24; plus strand). Cytogenetic location: 1p34.2.
Variant type: single nucleotide variant.
Coding change: c.579T>C on transcript NM_005857.5 (MANE Select); coding-DNA position 579, T replaced by C.
Protein change: p.Gly193=; no amino-acid change (glycine 193 retained).
Molecular consequence: synonymous variant.
Genome position (GRCh38, 1-based): chr1:40,270,079, T>C. VCF-style: chr1-40270079-T-C. GRCh37 (hg19) VCF-style: chr1-40735751-T-C.
Identifiers: ClinVar variation 3388498 (VCV003388498.15).

ClinVar aggregate classification (germline): Likely benign. Review status: criteria provided, multiple submitters, no conflicts (2 of 4 stars). 2 submissions from 2 submitters: Likely benign (2). Last evaluated 2025-02-12.

gnomAD v4.1: 3 of 1,613,780 alleles (0.00019%); highest among the groups gnomAD compares: Admixed American, 0.0017%; no homozygotes.

Submissions (2):

Labcorp Genetics (formerly Invitae), Labcorp
Classification: Likely benign. Last evaluated: 2025-02-12. Review status: criteria provided, single submitter. Criteria: Invitae Variant Classification Sherloc (09022015). Collection method: clinical testing. Allele origin: germline.

CeGaT Center for Human Genetics Tuebingen
Classification: Likely benign. Last evaluated: 2024-08-01. Review status: criteria provided, single submitter. Criteria: CeGaT Center For Human Genetics Tuebingen Variant Classification Criteria Version 2. Collection method: clinical testing. Allele origin: germline. Affected: yes. Observed: 1 variant allele.
Comment: ZMPSTE24: BP4, BP7